The following is an entry in ClinVar:

NM_006031.6(PCNT):c.6881C>T (p.Ser2294Phe)

Gene: PCNT (pericentrin; plus strand). Cytogenetic location: 21q22.3.
Variant type: single nucleotide variant.
Coding change: c.6881C>T on transcript NM_006031.6 (MANE Select); coding-DNA position 6881, C replaced by T.
Protein change: p.Ser2294Phe; replaces serine 2294 with phenylalanine.
Molecular consequence: missense variant.
Genome position (GRCh38, 1-based): chr21:46,416,799, C>T. VCF-style: chr21-46416799-C-T. GRCh37 (hg19) VCF-style: chr21-47836713-C-T.
Other names: c.6527C>T, p.Ser2176Phe (NM_001315529.2); short protein forms S2176F, S2294F.
Identifiers: ClinVar variation 4985866 (VCV004985866.1).
Genomic context (GRCh38, chr21:46,416,799, plus strand): 5'-CGGGGCTGCTTTGTTCCCCAGGCGTGTCTGCAGCAGCGCTGGCACTGCAGTGGGCCGAGT[C>T]TCCGCCGGCTGACGACCACCATGTGCAGAGGACGGCTGTGGTAGGTGCCTGCTCTGCTCC-3'
Protein context (NP_006022.3, residues 2284-2304): AAALALQWAE[Ser2294Phe]PPADDHHVQR

ClinVar aggregate classification (germline): Uncertain significance (1 of 4 stars; one submission).

Conditions:
PCNT-related disorder. Also called: PCNT-related condition.

Submission:

PreventionGenetics, part of Exact Sciences
Classification: Uncertain significance for PCNT-related condition. Last evaluated: 2025-03-17. Review status: criteria provided, single submitter. Criteria: ACMG Guidelines, 2015. Collection method: clinical testing. Allele origin: germline.
Comment: The PCNT c.6881C>T variant is predicted to result in the amino acid substitution p.Ser2294Phe. To our knowledge, this variant has not been reported in the literature. This variant is reported in 0.00094% of alleles in individuals of European (Non-Finnish) descent in gnomAD. At this time, the clinical significance of this variant is uncertain due to the absence of conclusive functional and genetic evidence.